The following is an entry in ClinVar:

ClinVar aggregate classification (germline): Uncertain significance (1 of 4 stars; one submission).

gnomAD v4.1: 1 of 1,614,176 alleles (0.000062%); highest among the groups gnomAD compares: Non-Finnish European, 0.000085%; no homozygotes.

Submission:

Labcorp Genetics (formerly Invitae), Labcorp
Classification: Uncertain significance. Last evaluated: 2025-11-17. Review status: criteria provided, single submitter. Criteria: Invitae Variant Classification Sherloc (09022015). Collection method: clinical testing. Allele origin: germline.
Comment: This sequence change replaces arginine, which is basic and polar, with histidine, which is basic and polar, at codon 507 of the RHOBTB2 protein (p.Arg507His). This variant is not present in population databases (gnomAD no frequency). This variant has not been reported in the literature in individuals affected with RHOBTB2-related conditions. Invitae Evidence Modeling of protein sequence and biophysical properties (such as structural, functional, and spatial information, amino acid conservation, physicochemical variation, residue mobility, and thermodynamic stability) indicates that this missense variant is not expected to disrupt RHOBTB2 protein function with a negative predictive value of 80%. This variant disrupts the p.Arg507 amino acid residue in RHOBTB2. Other variant(s) that disrupt this residue have been determined to be pathogenic (PMID: 33504645, 33619735; internal data). This suggests that this residue is clinically significant, and that variants that disrupt this residue are likely to be disease-causing. In summary, the available evidence is currently insufficient to determine the role of this variant in disease. Therefore, it has been classified as a Variant of Uncertain Significance.

Literature cited by the submitters: PubMed 33504645; PubMed 33619735.

NM_015178.3(RHOBTB2):c.1454G>A (p.Arg485His)

Gene: RHOBTB2 (Rho related BTB domain containing 2; plus strand). Cytogenetic location: 8p21.3.
Variant type: single nucleotide variant.
Coding change: c.1454G>A on transcript NM_015178.3 (MANE Select); coding-DNA position 1454, G replaced by A.
Protein change: p.Arg485His; replaces arginine 485 with histidine.
Molecular consequence: missense variant.
Genome position (GRCh38, 1-based): chr8:23,007,699, G>A. VCF-style: chr8-23007699-G-A. GRCh37 (hg19) VCF-style: chr8-22865212-G-A.
Other names: c.1520G>A, p.Arg507His (NM_001160036.2); c.1475G>A, p.Arg492His (NM_001160037.2); c.1454G>A, p.Arg485His (NM_001374791.1); short protein forms R492H, R485H, R507H.
Identifiers: ClinVar variation 4695412 (VCV004695412.1).